The following is an entry in ClinVar:

ClinVar aggregate classification (germline): Uncertain significance (1 of 4 stars; one submission).

Conditions:
Cardiovascular phenotype. Identifiers: MedGen CN230736.

Submission:

Ambry Genetics
Classification: Uncertain significance for Cardiovascular phenotype. Last evaluated: 2023-12-22. Review status: criteria provided, single submitter. Criteria: Ambry Variant Classification Scheme 2023. Collection method: clinical testing. Allele origin: germline.
Comment: The p.S3651T variant (also known as c.10951T>A), located in coding exon 2 of the ZNF469 gene, results from a T to A substitution at nucleotide position 10951. The serine at codon 3651 is replaced by threonine, an amino acid with similar properties. This amino acid position is conserved. In addition, this alteration is predicted to be tolerated by in silico analysis. Since supporting evidence is limited at this time, the clinical significance of this alteration remains unclear.

NM_001367624.2(ZNF469):c.11035T>A (p.Ser3679Thr)

Gene: ZNF469 (zinc finger protein 469; plus strand). Cytogenetic location: 16q24.2.
Variant type: single nucleotide variant.
Coding change: c.11035T>A on transcript NM_001367624.2 (MANE Select); coding-DNA position 11035, T replaced by A.
Protein change: p.Ser3679Thr; replaces serine 3679 with threonine.
Molecular consequence: missense variant.
Genome position (GRCh38, 1-based): chr16:88,438,505, T>A. VCF-style: chr16-88438505-T-A. GRCh37 (hg19) VCF-style: chr16-88504913-T-A.
Other names: NM_001127464.1:c.10951T>A; short protein forms S3679T.
Identifiers: ClinVar variation 3232735 (VCV003232735.1), dbSNP rs1906766748, ClinGen allele CA397128837.